The following is an entry in ClinVar:

ClinVar aggregate classification (germline): Uncertain significance. Review status: criteria provided, multiple submitters, no conflicts (2 of 4 stars). 4 submissions from 4 submitters: Uncertain significance (4). Last evaluated 2025-04-01.

Conditions:
Microcephaly, normal intelligence and immunodeficiency (NBS). Also called: IMMUNODEFICIENCY, MICROCEPHALY, AND CHROMOSOMAL INSTABILITY; SEEMANOVA SYNDROME II; Nijmegen breakage syndrome; Microcephaly with normal intelligence immunodeficiency and lymphoreticular malignancies; Nonsyndromal microcephaly autosomal recessive with normal intelligence; Seemanova syndrome 2. Identifiers: Orphanet 647, MedGen C0398791, MONDO:0009623, OMIM 251260.
Acute lymphoid leukemia (ALL). Also called: Acute lymphoblastic leukemia; Acute lymphocytic leukemia; Leukemia, acute lymphoblastic, somatic; Lymphoblastic leukemia. Identifiers: Orphanet 513, MedGen C0023449, MONDO:0004967, OMIM 613065, HP:0006721.
Aplastic anemia. Identifiers: Orphanet 182040, Orphanet 88, MedGen C0002874, MONDO:0015909, OMIM 609135, HP:0001915.
Hereditary cancer-predisposing syndrome. Also called: Hereditary Cancer Syndrome; Tumor predisposition; Neoplastic Syndromes, Hereditary; Hereditary neoplastic syndrome. Identifiers: Orphanet 140162, MedGen C0027672, MeSH D009386, MONDO:0015356.

Submissions (4):

CeGaT Center for Human Genetics Tuebingen
Classification: Uncertain significance. Last evaluated: 2025-04-01. Review status: criteria provided, single submitter. Criteria: CeGaT Center For Human Genetics Tuebingen Variant Classification Criteria Version 2. Collection method: clinical testing. Allele origin: germline. Affected: yes. Observed: 1 variant allele.
Comment: NBN: PM2, BP1, BP4

Ambry Genetics
Classification: Uncertain significance for Hereditary cancer-predisposing syndrome. Last evaluated: 2023-03-18. Review status: criteria provided, single submitter. Criteria: Ambry Variant Classification Scheme 2023. Collection method: clinical testing. Allele origin: germline.
Comment: The p.M595V variant (also known as c.1783A>G), located in coding exon 11 of the NBN gene, results from an A to G substitution at nucleotide position 1783. The methionine at codon 595 is replaced by valine, an amino acid with highly similar properties. This amino acid position is conserved. In addition, this alteration is predicted to be tolerated by in silico analysis. Since supporting evidence is limited at this time, the clinical significance of this alteration remains unclear.

Fulgent Genetics
Classification: Uncertain significance for Microcephaly, normal intelligence and immunodeficiency; Aplastic anemia; Acute lymphoid leukemia. Last evaluated: 2021-07-23. Review status: criteria provided, single submitter. Criteria: ACMG Guidelines, 2015. Collection method: clinical testing. Allele origin: unknown.

GeneDx
Classification: Uncertain significance. Last evaluated: 2019-06-14. Review status: criteria provided, single submitter. Criteria: GeneDx Variant Classification Process June 2021. Collection method: clinical testing. Allele origin: germline. Affected: yes.
Comment: Not observed in large population cohorts (Lek et al., 2016); In silico analysis, which includes protein predictors and evolutionary conservation, supports that this variant does not alter protein structure/function; Has not been previously published as pathogenic or benign to our knowledge

NM_002485.5(NBN):c.1783A>G (p.Met595Val)

Gene: NBN (nibrin; minus strand). Cytogenetic location: 8q21.3.
Variant type: single nucleotide variant.
Coding change: c.1783A>G on transcript NM_002485.5 (MANE Select); coding-DNA position 1783, A replaced by G.
Protein change: p.Met595Val; replaces methionine 595 with valine.
Molecular consequence: missense variant.
Genome position (GRCh38, 1-based): chr8:89,953,306, T>C on the plus strand (A>G on the coding strand, the complement: NBN is on the minus strand). VCF-style: chr8-89953306-T-C. GRCh37 (hg19) VCF-style: chr8-90965534-T-C.
Other names: c.1537A>G, p.Met513Val (NM_001024688.3); short protein forms M513V, M595V.
Identifiers: ClinVar variation 1306534 (VCV001306534.12), dbSNP rs2129696684, ClinGen allele CA371655101.
Genomic context (GRCh38, chr8:89,953,306, plus strand): 5'-ATATTTTGCTACTTTCTGGTACTGCTTCATCACTGAAAGTGTCATTTGTTTCTATATCCA[T>C]CCTTGGCCTTTTTCTAACATTGACATCTTCCTCCTGTTTTTGAACTTTCACATCAATTTC-3'
Protein context (NP_002476.2, residues 585-605): EDVNVRKRPR[Met595Val]DIETNDTFSD